The following is an entry in ClinVar:

NM_020433.5(JPH2):c.1171A>G (p.Thr391Ala)

Gene: JPH2 (junctophilin 2; minus strand). Cytogenetic location: 20q13.12.
Variant type: single nucleotide variant.
Coding change: c.1171A>G on transcript NM_020433.5 (MANE Select); coding-DNA position 1171, A replaced by G.
Protein change: p.Thr391Ala; replaces threonine 391 with alanine.
Molecular consequence: missense variant.
Genome position (GRCh38, 1-based): chr20:44,118,622, T>C on the plus strand (A>G on the coding strand, the complement: JPH2 is on the minus strand). VCF-style: chr20-44118622-T-C. GRCh37 (hg19) VCF-style: chr20-42747262-T-C.
Other names: short protein forms T391A.
Identifiers: ClinVar variation 1739674 (VCV001739674.8), dbSNP rs2515719836, ClinGen allele CA409101898.

ClinVar aggregate classification (germline): Uncertain significance. Review status: criteria provided, multiple submitters, no conflicts (2 of 4 stars). 2 submissions from 2 submitters: Uncertain significance (2). Last evaluated 2025-12-15.

Conditions:
Cardiovascular phenotype. Identifiers: MedGen CN230736.
Hypertrophic cardiomyopathy. Also called: HYPERTROPHIC MYOCARDIOPATHY. Identifiers: Orphanet 217569, MedGen C0007194, MeSH D002312, MONDO:0005045, HP:0001639.

Allele frequency attached by ClinVar (database versions not stated): gnomAD exomes below 0.00001.
gnomAD v4.1: 1 of 1,608,050 alleles (0.000062%); highest among the groups gnomAD compares: Non-Finnish European, 0.000085%; no homozygotes.

Submissions (2):

Labcorp Genetics (formerly Invitae), Labcorp
Classification: Uncertain significance for Hypertrophic cardiomyopathy. Last evaluated: 2025-12-15. Review status: criteria provided, single submitter. Criteria: Invitae Variant Classification Sherloc (09022015). Collection method: clinical testing. Allele origin: germline.
Comment: This sequence change replaces threonine, which is neutral and polar, with alanine, which is neutral and non-polar, at codon 391 of the JPH2 protein (p.Thr391Ala). This variant is not present in population databases (gnomAD no frequency). This variant has not been reported in the literature in individuals affected with JPH2-related conditions. ClinVar contains an entry for this variant (Variation ID: 1739674). An algorithm developed to predict the effect of missense changes on protein structure and function (PolyPhen-2) suggests that this variant is likely to be disruptive. In summary, the available evidence is currently insufficient to determine the role of this variant in disease. Therefore, it has been classified as a Variant of Uncertain Significance.

Ambry Genetics
Classification: Uncertain significance for Cardiovascular phenotype. Last evaluated: 2024-06-17. Review status: criteria provided, single submitter. Criteria: Ambry Variant Classification Scheme 2023. Collection method: clinical testing. Allele origin: germline.
Comment: The p.T391A variant (also known as c.1171A>G), located in coding exon 3 of the JPH2 gene, results from an A to G substitution at nucleotide position 1171. The threonine at codon 391 is replaced by alanine, an amino acid with similar properties. This amino acid position is highly conserved in available vertebrate species. In addition, the in silico prediction for this alteration is inconclusive. Since supporting evidence is limited at this time, the clinical significance of this alteration remains unclear.